The following is an entry in ClinVar:

NM_198904.4(GABRG2):c.1153-2A>G

Gene: GABRG2 (gamma-aminobutyric acid type A receptor subunit gamma2; plus strand). Cytogenetic location: 5q34.
Variant type: single nucleotide variant.
Coding change: c.1153-2A>G on transcript NM_198904.4 (MANE Select); the canonical splice acceptor site of the intron before coding-DNA position 1153, A replaced by G.
Molecular consequence: splice acceptor variant.
Genome position (GRCh38, 1-based): chr5:162,153,091, A>G. VCF-style: chr5-162153091-A-G. GRCh37 (hg19) VCF-style: chr5-161580097-A-G.
Other names: c.844-2A>G (NM_001375349.1); c.1249-2A>G (NM_001375343.1); c.1192-2A>G (NM_001375344.1); c.947-2A>G (NM_001375340.1); c.1150-2A>G (NM_001375341.1); c.1126-2A>G (NM_001375342.1); c.733-2A>G (NM_001375350.1); c.709-2A>G (NM_001375348.1); and 6 more.
Identifiers: ClinVar variation 468865 (VCV000468865.9), dbSNP rs1554101185, ClinGen allele CA362183170.

ClinVar aggregate classification (germline): Uncertain significance (1 of 4 stars; one submission).

Conditions:
Febrile seizures, familial, 8 (FEB8). Also called: CONVULSIONS, FAMILIAL FEBRILE, 8. Identifiers: Orphanet 36387, MedGen C1969810, MONDO:0011891, OMIM 607681.
EPILEPSY, CHILDHOOD ABSENCE, SUSCEPTIBILITY TO, 2 (ECA2). Identifiers: Orphanet 64280, MedGen C1843244, OMIM 607681.

Submission:

Labcorp Genetics (formerly Invitae), Labcorp
Classification: Uncertain significance for Febrile seizures, familial, 8; EPILEPSY, CHILDHOOD ABSENCE, SUSCEPTIBILITY TO, 2. Last evaluated: 2019-12-06. Review status: criteria provided, single submitter. Criteria: Invitae Variant Classification Sherloc (09022015). Collection method: clinical testing. Allele origin: germline.
Comment: In summary, the available evidence is currently insufficient to determine the role of this variant in disease. Therefore, it has been classified as a Variant of Uncertain Significance. Nucleotide substitutions within the consensus splice site are a relatively common cause of aberrant splicing (PMID: 17576681, 9536098). Algorithms developed to predict the effect of sequence changes on RNA splicing suggest that this variant may disrupt the consensus splice site, but this prediction has not been confirmed by published transcriptional studies. This variant has not been reported in the literature in individuals with GABRG2-related conditions. ClinVar contains an entry for this variant (Variation ID: 468865). This variant is not present in population databases (ExAC no frequency). This sequence change affects an acceptor splice site in the last intron (intron 8) of the GABRG2 gene. While this is not anticipated to result in nonsense mediated decay, it likely alters RNA splicing and results in a disrupted protein product.

Literature cited by the submitters: PubMed 17576681; PubMed 9536098.